The following is an entry in ClinVar:

NM_004447.6(EPS8):c.11A>G (p.His4Arg)

Gene: EPS8 (EGFR pathway substrate 8, signaling adaptor; minus strand). Cytogenetic location: 12p12.3.
Variant type: single nucleotide variant.
Coding change: c.11A>G on transcript NM_004447.6 (MANE Select); coding-DNA position 11, A replaced by G.
Protein change: p.His4Arg; replaces histidine 4 with arginine.
Molecular consequence: missense variant. On other transcripts: 5 prime UTR variant (2), non-coding transcript variant (3), intron variant (1).
Genome position (GRCh38, 1-based): chr12:15,682,941, T>C on the plus strand (A>G on the coding strand, the complement: EPS8 is on the minus strand). VCF-style: chr12-15682941-T-C. GRCh37 (hg19) VCF-style: chr12-15835875-T-C.
Other names: c.11A>G, p.His4Arg (NM_001413831.1, NM_001413832.1, NM_001413833.1 and 3 more transcripts); c.-153A>G (NM_001413835.1); c.-411A>G (NM_001413837.1); c.-104-12018A>G (NM_001413836.1); short protein forms H4R.
Identifiers: ClinVar variation 4618663 (VCV004618663.2).

ClinVar aggregate classification (germline): Uncertain significance. Review status: criteria provided, multiple submitters, no conflicts (2 of 4 stars). 2 submissions from 2 submitters: Uncertain significance (2). Last evaluated 2026-01-16.

Conditions:
EPS8-related disorder. Also called: EPS8-related condition.
Inborn genetic diseases. Identifiers: MedGen C0950123, MeSH D030342.

gnomAD v4.1: 2 of 1,584,006 alleles (0.00013%); highest among the groups gnomAD compares: Non-Finnish European, 0.00017%; no homozygotes.

Submissions (2):

PreventionGenetics, part of Exact Sciences
Classification: Uncertain significance for EPS8-related condition. Last evaluated: 2026-01-16. Review status: criteria provided, single submitter. Criteria: ACMG Guidelines, 2015. Collection method: clinical testing. Allele origin: germline.
Comment: The EPS8 c.11A>G variant is predicted to result in the amino acid substitution p.His4Arg. To our knowledge, this variant has not been reported in the literature or in a large population database (gnomAD), indicating this variant is rare. At this time, the clinical significance of this variant is uncertain due to the absence of conclusive functional and genetic evidence.

Ambry Genetics
Classification: Uncertain significance for Inborn genetic diseases. Last evaluated: 2025-11-03. Review status: criteria provided, single submitter. Criteria: Ambry Variant Classification Scheme 2023. Collection method: clinical testing. Allele origin: germline.